The following is an entry in ClinVar:

NM_014855.3(AP5Z1):c.1910G>A (p.Cys637Tyr)

Gene: AP5Z1 (adaptor related protein complex 5 subunit zeta 1; plus strand). Cytogenetic location: 7p22.1.
Variant type: single nucleotide variant.
Coding change: c.1910G>A on transcript NM_014855.3 (MANE Select); coding-DNA position 1910, G replaced by A.
Protein change: p.Cys637Tyr; replaces cysteine 637 with tyrosine.
Molecular consequence: missense variant. On other transcripts: non-coding transcript variant (1).
Genome position (GRCh38, 1-based): chr7:4,790,563, G>A. VCF-style: chr7-4790563-G-A. GRCh37 (hg19) VCF-style: chr7-4830194-G-A.
Other names: c.1910G>A, p.Cys637Tyr (LRG_1247t1); c.1442G>A, p.Cys481Tyr (NM_001364858.1); short protein forms C637Y, C481Y.
Identifiers: ClinVar variation 645727 (VCV000645727.6), dbSNP rs557706442, ClinGen allele CA4138177.
Genomic context (GRCh38, chr7:4,790,563, plus strand): 5'-CCCTGGTGGTGGAGCTGGCAAGAGACCTGCTGGAGTTCCTGGGCAGCGTGAATGGTCTCT[G>A]CAGCAGGGCGAGCCTCGTCACCAGCGTGGTAAGGCGGGCGCTGGCCTCCCACAGCCGCTC-3'
Protein context (NP_055670.1, residues 627-647): LEFLGSVNGL[Cys637Tyr]SRASLVTSVV

ClinVar aggregate classification (germline): Uncertain significance (1 of 4 stars; one submission).

Conditions:
Hereditary spastic paraplegia 48. Also called: SPASTIC PARAPLEGIA 48, AUTOSOMAL RECESSIVE; Spastic paraplegia 48. Identifiers: Orphanet 306511, MedGen C3150901, MONDO:0013342, OMIM 613647.

Allele frequency attached by ClinVar (database versions not stated): gnomAD 0.00001 and 0.00003; gnomAD exomes 0.00001 and 0.00003; TOPMed 0.00001; ExAC 0.00003; 1000 Genomes Project 0.00060; 1000 Genomes Project 30x 0.00078.

Submission:

Labcorp Genetics (formerly Invitae), Labcorp
Classification: Uncertain significance for Hereditary spastic paraplegia 48. Last evaluated: 2021-08-26. Review status: criteria provided, single submitter. Criteria: Invitae Variant Classification Sherloc (09022015). Collection method: clinical testing. Allele origin: germline.
Comment: This sequence change replaces cysteine with tyrosine at codon 637 of the AP5Z1 protein (p.Cys637Tyr). The cysteine residue is weakly conserved and there is a large physicochemical difference between cysteine and tyrosine. This variant is present in population databases (rs557706442, ExAC 0.05%). This variant has not been reported in the literature in individuals affected with AP5Z1-related conditions. Algorithms developed to predict the effect of missense changes on protein structure and function (SIFT, PolyPhen-2, Align-GVGD) all suggest that this variant is likely to be tolerated. In summary, the available evidence is currently insufficient to determine the role of this variant in disease. Therefore, it has been classified as a Variant of Uncertain Significance.